The following is an entry in ClinVar:

ClinVar aggregate classification (germline): Uncertain significance (1 of 4 stars; one submission).

Conditions:
Congenital myasthenic syndrome 20. Also called: Myasthenic syndrome, congenital, 20, presynaptic. Identifiers: MedGen C4310694, MONDO:0014939, OMIM 617143.
Neuronopathy, distal hereditary motor, type 7A. Also called: Neuronopathy, distal hereditary motor, type viia; HARPER-YOUNG MYOPATHY; HMN VIIA; SPINAL MUSCULAR ATROPHY, DISTAL, WITH VOCAL CORD PARALYSIS; NEURONOPATHY, DISTAL HEREDITARY MOTOR, HARDING TYPE VIIA; NEUROPATHY, DISTAL HEREDITARY MOTOR, HARDING TYPE VIIA. Identifiers: Orphanet 139589, MedGen C1834703, MONDO:0008024, OMIM 158580.

gnomAD v4.1: 8 of 1,614,108 alleles (0.0005%); highest among the groups gnomAD compares: Non-Finnish European, 0.00068%; no homozygotes.

Submission:

Labcorp Genetics (formerly Invitae), Labcorp
Classification: Uncertain significance for Neuronopathy, distal hereditary motor, type 7A; Congenital myasthenic syndrome 20. Last evaluated: 2025-03-26. Review status: criteria provided, single submitter. Criteria: Invitae Variant Classification Sherloc (09022015). Collection method: clinical testing. Allele origin: germline.
Comment: This sequence change replaces phenylalanine, which is neutral and non-polar, with leucine, which is neutral and non-polar, at codon 118 of the SLC5A7 protein (p.Phe118Leu). This variant is not present in population databases (gnomAD no frequency). This variant has not been reported in the literature in individuals affected with SLC5A7-related conditions. Invitae Evidence Modeling of protein sequence and biophysical properties (such as structural, functional, and spatial information, amino acid conservation, physicochemical variation, residue mobility, and thermodynamic stability) indicates that this missense variant is not expected to disrupt SLC5A7 protein function with a negative predictive value of 80%. In summary, the available evidence is currently insufficient to determine the role of this variant in disease. Therefore, it has been classified as a Variant of Uncertain Significance.

NM_021815.5(SLC5A7):c.352T>C (p.Phe118Leu)

Gene: SLC5A7 (solute carrier family 5 member 7; plus strand). Cytogenetic location: 2q12.3.
Variant type: single nucleotide variant.
Coding change: c.352T>C on transcript NM_021815.5 (MANE Select); coding-DNA position 352, T replaced by C.
Protein change: p.Phe118Leu; replaces phenylalanine 118 with leucine.
Molecular consequence: missense variant. On other transcripts: 5 prime UTR variant (1).
Genome position (GRCh38, 1-based): chr2:107,993,031, T>C. VCF-style: chr2-107993031-T-C. GRCh37 (hg19) VCF-style: chr2-108609487-T-C.
Other names: c.352T>C, p.Phe118Leu (NM_001305005.3); c.37T>C, p.Phe13Leu (NM_001305006.3); c.-353T>C (NM_001305007.3); short protein forms F118L, F13L.
Identifiers: ClinVar variation 3750998 (VCV003750998.2).